The following is an entry in ClinVar:

ClinVar aggregate classification (germline): Uncertain significance (1 of 4 stars; one submission).

Conditions:
Inborn genetic diseases. Identifiers: MedGen C0950123, MeSH D030342.

gnomAD v4.1: 5 of 1,612,850 alleles (0.00031%); highest among the groups gnomAD compares: Non-Finnish European, 0.00042%; no homozygotes.

Submission:

Ambry Genetics
Classification: Uncertain significance for Inborn genetic diseases. Last evaluated: 2025-08-23. Review status: criteria provided, single submitter. Criteria: Ambry Variant Classification Scheme 2023. Collection method: clinical testing. Allele origin: germline.
Comment: The p.D261H variant (also known as c.781G>C), located in coding exon 5 of the ELANE gene, results from a G to C substitution at nucleotide position 781. The aspartic acid at codon 261 is replaced by histidine, an amino acid with similar properties. This amino acid position is conserved. In addition, this alteration is predicted to be tolerated by in silico analysis. Based on the available evidence, the clinical significance of this variant remains unclear.

NM_001972.4(ELANE):c.781G>C (p.Asp261His)

Gene: ELANE (elastase, neutrophil expressed; plus strand). Cytogenetic location: 19p13.3.
Variant type: single nucleotide variant.
Coding change: c.781G>C on transcript NM_001972.4 (MANE Select); coding-DNA position 781, G replaced by C.
Protein change: p.Asp261His; replaces aspartic acid 261 with histidine.
Molecular consequence: missense variant.
Genome position (GRCh38, 1-based): chr19:856,141, G>C. VCF-style: chr19-856141-G-C. GRCh37 (hg19) VCF-style: chr19-856141-G-C.
Other names: short protein forms D261H.
Identifiers: ClinVar variation 4248091 (VCV004248091.1).